The following is an entry in ClinVar:

ClinVar aggregate classification (germline): Pathogenic. Review status: criteria provided, multiple submitters, no conflicts (2 of 4 stars). 2 submissions from 2 submitters: Pathogenic (2). Last evaluated 2024-07-30.

Allele frequency attached by ClinVar (database versions not stated): gnomAD exomes 0.00001.
gnomAD v4.1: 9 of 1,612,718 alleles (0.00056%); highest among the groups gnomAD compares: Non-Finnish European, 0.00068%; no homozygotes.

Submissions (2):

Labcorp Genetics (formerly Invitae), Labcorp
Classification: Pathogenic. Last evaluated: 2024-07-30. Review status: criteria provided, single submitter. Criteria: Invitae Variant Classification Sherloc (09022015). Collection method: clinical testing. Allele origin: germline.
Comment: This sequence change creates a premature translational stop signal (p.Ser370*) in the CARMIL2 gene. It is expected to result in an absent or disrupted protein product. Loss-of-function variants in CARMIL2 are known to be pathogenic (PMID: 27647349, 28112205). This variant is present in population databases (no rsID available, gnomAD 0.002%). This premature translational stop signal has been observed in individual(s) with combined immunodeficiency (PMID: 31709449). ClinVar contains an entry for this variant (Variation ID: 1675629). Algorithms developed to predict the effect of sequence changes on RNA splicing suggest that this variant may disrupt the consensus splice site. For these reasons, this variant has been classified as Pathogenic.

CeGaT Center for Human Genetics Tuebingen
Classification: Pathogenic. Last evaluated: 2022-02-01. Review status: criteria provided, single submitter. Criteria: CeGaT Center For Human Genetics Tuebingen Variant Classification Criteria Version 2. Collection method: clinical testing. Allele origin: germline. Affected: yes. Observed: 1 variant allele.

Literature cited by the submitters: PubMed 27647349 (cited by Labcorp Genetics (formerly Invitae), Labcorp); PubMed 28112205 (cited by Labcorp Genetics (formerly Invitae), Labcorp); PubMed 31709449 (cited by Labcorp Genetics (formerly Invitae), Labcorp).

NM_001013838.3(CARMIL2):c.1109C>A (p.Ser370Ter)

Gene: CARMIL2 (capping protein regulator and myosin 1 linker 2; plus strand). Cytogenetic location: 16q22.1.
Variant type: single nucleotide variant.
Coding change: c.1109C>A on transcript NM_001013838.3 (MANE Select); coding-DNA position 1109, C replaced by A.
Protein change: p.Ser370Ter; replaces serine 370 with a stop codon.
Molecular consequence: nonsense.
Genome position (GRCh38, 1-based): chr16:67,648,089, C>A. VCF-style: chr16-67648089-C-A. GRCh37 (hg19) VCF-style: chr16-67681992-C-A.
Other names: c.1109C>A, p.Ser370Ter (NM_001317026.3); short protein forms S370*.
Identifiers: ClinVar variation 1675629 (VCV001675629.38), dbSNP rs903777283, ClinGen allele CA283203651.